The following is an entry in ClinVar:

ClinVar aggregate classification (germline): Conflicting classifications of pathogenicity. Review status: criteria provided, conflicting classifications (1 of 4 stars). 7 submissions from 7 submitters: Uncertain significance (5); Likely benign (1). 1 of the submissions does not count toward it. Last evaluated 2026-01-12.

Conditions:
Retinal dystrophy. Also called: Inherited retinal dystrophy. Identifiers: Orphanet 71862, MedGen C0854723, MeSH D058499, MONDO:0019118, HP:0000556.
PAX2-Related Disorder. Also called: PAX2-related disorders. Identifiers: MedGen CN381309.
Renal coloboma syndrome (PAPRS). Also called: CONGENITAL ANOMALIES OF THE KIDNEY AND URINARY TRACT WITH OR WITHOUT OCULAR ABNORMALITIES; CAKUT WITH OR WITHOUT OCULAR ABNORMALITIES; COLOBOMA OF OPTIC NERVE WITH RENAL DISEASE; OPTIC COLOBOMA, VESICOURETERAL REFLUX, AND RENAL ANOMALIES; OPTIC NERVE COLOBOMA WITH RENAL DISEASE; RENAL-COLOBOMA SYNDROME WITH MACULAR ABNORMALITIES. Identifiers: Orphanet 1475, MedGen C1852759, MONDO:0007352, OMIM 120330.
Focal segmental glomerulosclerosis 7 (FSGS7). Identifiers: Orphanet 656, MedGen C4014925, MONDO:0014451, OMIM 616002.

Allele frequency attached by ClinVar (database versions not stated): gnomAD 0.00025 and 0.00026; ESP Exome Variant Server 0.00031; TOPMed 0.00031; ExAC 0.00034.
gnomAD v4.1: 828 of 1,582,752 alleles (0.052%); highest among the groups gnomAD compares: Non-Finnish European, 0.067%; no homozygotes.

Submissions (7):

Labcorp Genetics (formerly Invitae), Labcorp
Classification: Uncertain significance for Renal coloboma syndrome; Focal segmental glomerulosclerosis 7. Last evaluated: 2026-01-12. Review status: criteria provided, single submitter. Criteria: Invitae Variant Classification Sherloc (09022015). Collection method: clinical testing. Allele origin: germline.
Comment: This sequence change replaces threonine, which is neutral and polar, with asparagine, which is neutral and polar, at codon 164 of the PAX2 protein (p.Thr164Asn). This variant is present in population databases (rs370214925, gnomAD 0.04%), and has an allele count higher than expected for a pathogenic variant. This missense change has been observed in individual(s) with clinical features of PAX2-related conditions (PMID: 22213154, 24676634, 30773290, 35574290). ClinVar contains an entry for this variant (Variation ID: 1025376). An algorithm developed to predict the effect of missense changes on protein structure and function (PolyPhen-2) suggests that this variant is likely to be disruptive. In summary, the available evidence is currently insufficient to determine the role of this variant in disease. Therefore, it has been classified as a Variant of Uncertain Significance.

Women's Health and Genetics/Laboratory Corporation of America, LabCorp
Classification: Uncertain significance. Last evaluated: 2025-11-26. Review status: criteria provided, single submitter. Criteria: LabCorp Variant Classification Summary - May 2015. Collection method: clinical testing. Allele origin: germline.
Comment: Variant summary: PAX2 c.491C>A (p.Thr164Asn) results in a non-conservative amino acid change in the encoded protein sequence. Algorithms developed to predict the effect of missense changes on protein structure and function all suggest that this variant is likely to be disruptive. The variant allele was found at a frequency of 0.00019 in 198558 control chromosomes. This frequency is not significantly higher than estimated for disease-causing variants in PAX2, allowing no conclusion about variant significance. c.491C>A has been observed in individuals affected with PAX2-Related Disorders, however variant did not appear to segregate with disease (e.g. Bower_2012, Barua_2014, Connaughton_2019, Grossman_2022). These reports do not provide unequivocal conclusions about association of the variant with PAX2-Related Disorders. To our knowledge, no experimental evidence demonstrating an impact on protein function has been reported. The following publications have been ascertained in the context of this evaluation (PMID: 24676634, 22213154, 30773290, 35574290). ClinVar contains an entry for this variant (Variation ID: 1025376). Based on the evidence outlined above, the variant was classified as uncertain significance.

Blueprint Genetics
Classification: Likely benign. Last evaluated: 2024-10-30. Review status: criteria provided, single submitter. Criteria: ACMG Guidelines, 2015. Collection method: clinical testing. Allele origin: germline.

Institute of Human Genetics, Univ. Regensburg, Univ. Regensburg
Classification: Uncertain significance for Retinal dystrophy. Last evaluated: 2022-01-01. Review status: criteria provided, single submitter. Criteria: ACMG Guidelines, 2015. Collection method: clinical testing. Allele origin: germline. Affected: yes.

Fulgent Genetics
Classification: Uncertain significance for Renal coloboma syndrome; Focal segmental glomerulosclerosis 7. Last evaluated: 2021-10-02. Review status: criteria provided, single submitter. Criteria: ACMG Guidelines, 2015. Collection method: clinical testing. Allele origin: unknown.

GeneDx
Classification: Uncertain significance. Last evaluated: 2020-03-12. Review status: criteria provided, single submitter. Criteria: GeneDx Variant Classification Process June 2021. Collection method: clinical testing. Allele origin: germline. Affected: yes.
Comment: Reported in the heterozygous state in a patient with focal segmental glomerulosclerosis and in a patient with unilateral renal agenesis, but segregation information was not provided (Barua et al., 2014; Connaughton et al., 2019); Reported in the heterozygous state in three affected individuals from one family with renal abnormalities and/or ophthalmologic abnormalities who also harbored another PAX2 variant on the same allele (in cis), but T164N was also seen without the second variant in an unaffected relative (Bower et al., 2012); In silico analysis, which includes protein predictors and evolutionary conservation, supports a deleterious effect This variant is associated with the following publications: (PMID: 30773290, 22213154, 24676634)

PreventionGenetics, part of Exact Sciences
Classification: Uncertain significance for PAX2-related condition. Last evaluated: 2024-07-24. Review status: no assertion criteria provided. Collection method: clinical testing. Allele origin: germline. Not counted in ClinVar's aggregate classification.
Comment: The PAX2 c.491C>A variant is predicted to result in the amino acid substitution p.Thr164Asn. This variant has been in individuals with focal segmental glomerulosclerosis, congenital anomalies of the kidney and urinary tract, and nephrotic syndrome (Barua et al. 2014. PubMed ID: 24676634; Connaughton et al. 2019. PubMed ID: 30773290; Grossman et al. 2022. PubMed ID: 35574290). However, this variant is reported in 0.042% of alleles in individuals of European (Non-Finnish) descent in gnomAD including over 800 heterozygous individuals in the v4.1.0 dataset, which may be too common to be a primary cause of disease. Although we suspect that this variant may be benign, at this time, the clinical significance of this variant is uncertain due to the absence of conclusive functional and genetic evidence.

Literature cited by the submitters: PubMed 22213154 (cited by Labcorp Genetics (formerly Invitae), Labcorp and Women's Health and Genetics/Laboratory Corporation of America, LabCorp); PubMed 24676634 (cited by 3 submitters); PubMed 30773290 (cited by Labcorp Genetics (formerly Invitae), Labcorp and Women's Health and Genetics/Laboratory Corporation of America, LabCorp); PubMed 35574290 (cited by Labcorp Genetics (formerly Invitae), Labcorp and Women's Health and Genetics/Laboratory Corporation of America, LabCorp); PubMed 3077329 (cited by Institute of Human Genetics, Univ. Regensburg, Univ. Regensburg).

NM_000278.5(PAX2):c.491C>A (p.Thr164Asn)

Gene: PAX2 (paired box 2; plus strand). Cytogenetic location: 10q24.31.
Variant type: single nucleotide variant.
Coding change: c.491C>A on transcript NM_000278.5 (MANE Select); coding-DNA position 491, C replaced by A.
Protein change: p.Thr164Asn; replaces threonine 164 with asparagine.
Molecular consequence: missense variant.
Genome position (GRCh38, 1-based): chr10:100,779,578, C>A. VCF-style: chr10-100779578-C-A. GRCh37 (hg19) VCF-style: chr10-102539335-C-A.
Other names: c.584C>A, p.Thr195Asn (NM_001304569.2); c.491C>A, p.Thr164Asn (NM_003987.5, NM_003988.5, NM_003989.5 and 1 more transcripts); short protein forms T164N, T195N.
Identifiers: ClinVar variation 1025376 (VCV001025376.14), dbSNP rs370214925, ClinGen allele CA5650735.
Genomic context (GRCh38, chr10:100,779,578, plus strand): 5'-AGCAGCCTTTCCACCCAACGCCGGATGGGGCTGGGACAGGAGTGACCGCCCCTGGCCACA[C>A]CATTGGTAAGAGGGCTCAGGGAAGGGGAGGAAACCAGATCCCACCTAGAGAAAGGCAGGA-3'
Protein context (NP_000269.3, residues 154-174): AGTGVTAPGH[Thr164Asn]IVPSTASPPV